The following is an entry in ClinVar:

ClinVar aggregate classification (germline): Uncertain significance. Review status: criteria provided, multiple submitters, no conflicts (2 of 4 stars). 2 submissions from 2 submitters: Uncertain significance (2). Last evaluated 2024-04-01.

Conditions:
Dyskeratosis congenita, autosomal dominant 6 (DKCA6). Identifiers: Orphanet 3322, MedGen C4225284, MONDO:0014690, OMIM 616553.
Inborn genetic diseases. Identifiers: MedGen C0950123, MeSH D030342.

Allele frequency attached by ClinVar (database versions not stated): TOPMed below 0.00001.
gnomAD v4.1: 10 of 1,612,374 alleles (0.00062%); highest among the groups gnomAD compares: South Asian, 0.0011%; no homozygotes.

Submissions (2):

Ambry Genetics
Classification: Uncertain significance for Inborn genetic diseases. Last evaluated: 2024-04-01. Review status: criteria provided, single submitter. Criteria: Ambry Variant Classification Scheme 2023. Collection method: clinical testing. Allele origin: germline.
Comment: The p.P75S variant (also known as c.223C>T), located in coding exon 1 of the ACD gene, results from a C to T substitution at nucleotide position 223. The proline at codon 75 is replaced by serine, an amino acid with similar properties. This amino acid position is conserved. In addition, this alteration is predicted to be tolerated by in silico analysis. Since supporting evidence is limited at this time, the clinical significance of this alteration remains unclear.

Labcorp Genetics (formerly Invitae), Labcorp
Classification: Uncertain significance for Dyskeratosis congenita, autosomal dominant 6. Last evaluated: 2023-01-24. Review status: criteria provided, single submitter. Criteria: Invitae Variant Classification Sherloc (09022015). Collection method: clinical testing. Allele origin: germline.
Comment: This sequence change replaces proline, which is neutral and non-polar, with serine, which is neutral and polar, at codon 75 of the ACD protein (p.Pro75Ser). This variant is not present in population databases (gnomAD no frequency). This variant has not been reported in the literature in individuals affected with ACD-related conditions. ClinVar contains an entry for this variant (Variation ID: 1788253). Algorithms developed to predict the effect of missense changes on protein structure and function (SIFT, PolyPhen-2, Align-GVGD) all suggest that this variant is likely to be tolerated. In summary, the available evidence is currently insufficient to determine the role of this variant in disease. Therefore, it has been classified as a Variant of Uncertain Significance.

NM_001082486.2(ACD):c.-36C>T

Gene: ACD (ACD shelterin complex subunit and telomerase recruitment factor; minus strand). Cytogenetic location: 16q22.1.
Variant type: single nucleotide variant.
Coding change: c.-36C>T on transcript NM_001082486.2 (MANE Select); 36 bases upstream of the start codon, C replaced by T.
Molecular consequence: 5 prime UTR variant.
Genome position (GRCh38, 1-based): chr16:67,660,256, G>A on the plus strand (C>T on the coding strand, the complement: ACD is on the minus strand). VCF-style: chr16-67660256-G-A. GRCh37 (hg19) VCF-style: chr16-67694159-G-A.
Other names: c.-36C>T (NM_001410884.1, NM_022914.3).
Identifiers: ClinVar variation 1788253 (VCV001788253.6), dbSNP rs762184098, ClinGen allele CA396359351.